The following is an entry in ClinVar:

NM_005560.6(LAMA5):c.1588G>A (p.Ala530Thr)

Gene: LAMA5 (laminin subunit alpha 5; minus strand). Cytogenetic location: 20q13.33.
Variant type: single nucleotide variant.
Coding change: c.1588G>A on transcript NM_005560.6 (MANE Select); coding-DNA position 1588, G replaced by A.
Protein change: p.Ala530Thr; replaces alanine 530 with threonine.
Molecular consequence: missense variant.
Genome position (GRCh38, 1-based): chr20:62,338,498, C>T on the plus strand (G>A on the coding strand, the complement: LAMA5 is on the minus strand). VCF-style: chr20-62338498-C-T. GRCh37 (hg19) VCF-style: chr20-60913554-C-T.
Other names: p.Ala530Thr; c.1588G>A (NM_005560.3); short protein forms A530T.
Identifiers: ClinVar variation 1926029 (VCV001926029.6), dbSNP rs373410862, ClinGen allele CA9943855.

ClinVar aggregate classification (germline): Uncertain significance. Review status: criteria provided, multiple submitters, no conflicts (2 of 4 stars). 3 submissions from 3 submitters: Uncertain significance (3). Last evaluated 2025-11-12.

Conditions:
Inborn genetic diseases. Identifiers: MedGen C0950123, MeSH D030342.

Allele frequency attached by ClinVar (database versions not stated): ExAC 0.00004; gnomAD exomes 0.00004; gnomAD 0.00008; TOPMed 0.00008; 1000 Genomes Project 30x 0.00016; 1000 Genomes Project 0.00020.

Submissions (3):

Ambry Genetics
Classification: Uncertain significance for Inborn genetic diseases. Last evaluated: 2025-11-12. Review status: criteria provided, single submitter. Criteria: Ambry Variant Classification Scheme 2023. Collection method: clinical testing. Allele origin: germline.

Mayo Clinic Laboratories, Mayo Clinic
Classification: Uncertain significance. Last evaluated: 2025-02-26. Review status: criteria provided, single submitter. Criteria: ACMG Guidelines, 2015. Collection method: clinical testing. Allele origin: germline. Observed: 1 variant allele.
Comment: BP4

Labcorp Genetics (formerly Invitae), Labcorp
Classification: Uncertain significance. Last evaluated: 2022-03-14. Review status: criteria provided, single submitter. Criteria: Invitae Variant Classification Sherloc (09022015). Collection method: clinical testing. Allele origin: germline.
Comment: This variant has not been reported in the literature in individuals affected with LAMA5-related conditions. This sequence change replaces alanine, which is neutral and non-polar, with threonine, which is neutral and polar, at codon 530 of the LAMA5 protein (p.Ala530Thr). This variant is present in population databases (rs373410862, gnomAD 0.01%). Algorithms developed to predict the effect of missense changes on protein structure and function are either unavailable or do not agree on the potential impact of this missense change (SIFT: "Tolerated"; PolyPhen-2: "Probably Damaging"; Align-GVGD: "Class C0"). In summary, the available evidence is currently insufficient to determine the role of this variant in disease. Therefore, it has been classified as a Variant of Uncertain Significance.